The following is an entry in ClinVar:

NM_152327.5(AK7):c.1988A>G (p.Glu663Gly)

Gene: AK7 (adenylate kinase 7; plus strand). Cytogenetic location: 14q32.2.
Variant type: single nucleotide variant.
Coding change: c.1988A>G on transcript NM_152327.5 (MANE Select); coding-DNA position 1988, A replaced by G.
Protein change: p.Glu663Gly; replaces glutamic acid 663 with glycine.
Molecular consequence: missense variant.
Genome position (GRCh38, 1-based): chr14:96,486,911, A>G. VCF-style: chr14-96486911-A-G. GRCh37 (hg19) VCF-style: chr14-96953248-A-G.
Other names: c.1919A>G, p.Glu640Gly (NM_001350888.2, NM_001350890.2); c.1910A>G, p.Glu637Gly (NM_001350891.2); c.1790A>G, p.Glu597Gly (NM_001350892.2); short protein forms E663G, E597G, E637G, E640G.
Identifiers: ClinVar variation 2908241 (VCV002908241.3), dbSNP rs1168761435, ClinGen allele CA390925931.

ClinVar aggregate classification (germline): Uncertain significance (1 of 4 stars; one submission).

Allele frequency attached by ClinVar (database versions not stated): gnomAD exomes below 0.00001.
gnomAD v4.1: 3 of 1,613,768 alleles (0.00019%); highest among the groups gnomAD compares: African/African-American, 0.0013%; no homozygotes.

Submission:

Labcorp Genetics (formerly Invitae), Labcorp
Classification: Uncertain significance. Last evaluated: 2023-08-15. Review status: criteria provided, single submitter. Criteria: Invitae Variant Classification Sherloc (09022015). Collection method: clinical testing. Allele origin: germline.
Comment: This variant has not been reported in the literature in individuals affected with AK7-related conditions. In summary, the available evidence is currently insufficient to determine the role of this variant in disease. Therefore, it has been classified as a Variant of Uncertain Significance. Advanced modeling of protein sequence and biophysical properties (such as structural, functional, and spatial information, amino acid conservation, physicochemical variation, residue mobility, and thermodynamic stability) performed at Invitae indicates that this missense variant is not expected to disrupt AK7 protein function. This variant is present in population databases (no rsID available, gnomAD 0.007%). This sequence change replaces glutamic acid, which is acidic and polar, with glycine, which is neutral and non-polar, at codon 663 of the AK7 protein (p.Glu663Gly).